The following is an entry in ClinVar:

ClinVar aggregate classification (germline): Likely pathogenic (1 of 4 stars; one submission).

Conditions:
Neuropathy, hereditary sensory, type 2C. Also called: KIF1A-Related HSAN2 (HSAN2C); Hereditary sensory and autonomic neuropathy type IIC. Identifiers: Orphanet 970, MedGen C3280168, MONDO:0013634, OMIM 614213.
Hereditary spastic paraplegia 30. Identifiers: Orphanet 101010, MedGen C5235139, MONDO:0012476.
Intellectual disability, autosomal dominant 9 (NESCAVS). Also called: NESCAV SYNDROME; KIF1A-Related Neurodevelopmental Disorder. Identifiers: Orphanet 662367, MedGen C5393830, MONDO:0013656, OMIM 614255.

Allele frequency attached by ClinVar (database versions not stated): gnomAD exomes below 0.00001.
gnomAD v4.1: 1 of 1,607,518 alleles (0.000062%); highest among the groups gnomAD compares: Non-Finnish European, 0.000085%; no homozygotes.

Submission:

Labcorp Genetics (formerly Invitae), Labcorp
Classification: Likely pathogenic for Hereditary spastic paraplegia 30; Neuropathy, hereditary sensory, type 2C; Intellectual disability, autosomal dominant 9. Last evaluated: 2023-07-30. Review status: criteria provided, single submitter. Criteria: Invitae Variant Classification Sherloc (09022015). Collection method: clinical testing. Allele origin: germline.
Comment: This sequence change replaces threonine, which is neutral and polar, with alanine, which is neutral and non-polar, at codon 35 of the KIF1A protein (p.Thr35Ala). This variant is not present in population databases (gnomAD no frequency). This variant has not been reported in the literature in individuals affected with KIF1A-related conditions. Advanced modeling of protein sequence and biophysical properties (such as structural, functional, and spatial information, amino acid conservation, physicochemical variation, residue mobility, and thermodynamic stability) performed at Invitae indicates that this missense variant is expected to disrupt KIF1A protein function. In summary, the currently available evidence indicates that the variant is pathogenic, but additional data are needed to prove that conclusively. Therefore, this variant has been classified as Likely Pathogenic. This variant disrupts the p.Thr35 amino acid residue in KIF1A. Other variant(s) that disrupt this residue have been determined to be pathogenic (Invitae). This suggests that this residue is clinically significant, and that variants that disrupt this residue are likely to be disease-causing.

NM_001244008.2(KIF1A):c.103A>G (p.Thr35Ala)

Gene: KIF1A (kinesin family member 1A; minus strand). Cytogenetic location: 2q37.3.
Variant type: single nucleotide variant.
Coding change: c.103A>G on transcript NM_001244008.2 (MANE Select); coding-DNA position 103, A replaced by G.
Protein change: p.Thr35Ala; replaces threonine 35 with alanine.
Molecular consequence: missense variant.
Genome position (GRCh38, 1-based): chr2:240,797,650, T>C on the plus strand (A>G on the coding strand, the complement: KIF1A is on the minus strand). VCF-style: chr2-240797650-T-C. GRCh37 (hg19) VCF-style: chr2-241737067-T-C.
Other names: c.103A>G, p.Thr35Ala (NM_001320705.2, NM_001330289.2, NM_001330290.2 and 21 more transcripts); short protein forms T35A.
Identifiers: ClinVar variation 2940950 (VCV002940950.3), dbSNP rs2538654464, ClinGen allele CA351315403.